The following is an entry in ClinVar:

NM_002860.4(ALDH18A1):c.190C>T (p.Arg64Cys)

Gene: ALDH18A1 (aldehyde dehydrogenase 18 family member A1; minus strand). Cytogenetic location: 10q24.1.
Variant type: single nucleotide variant.
Coding change: c.190C>T on transcript NM_002860.4 (MANE Select); coding-DNA position 190, C replaced by T.
Protein change: p.Arg64Cys; replaces arginine 64 with cysteine.
Molecular consequence: missense variant. On other transcripts: intron variant (4).
Genome position (GRCh38, 1-based): chr10:95,643,105, G>A on the plus strand (C>T on the coding strand, the complement: ALDH18A1 is on the minus strand). VCF-style: chr10-95643105-G-A. GRCh37 (hg19) VCF-style: chr10-97402862-G-A.
Other names: c.190C>T (NM_002860.3); c.190C>T, p.Arg64Cys (NM_001017423.2, NM_001323413.2, NM_001323414.2 and 2 more transcripts); c.-78-9456C>T (NM_001323419.2); c.-30-5669C>T (NM_001323412.2, NM_001323418.2, NM_001323416.2); short protein forms R64C.
Identifiers: ClinVar variation 2059507 (VCV002059507.5), dbSNP rs187591541, ClinGen allele CA5620664.

ClinVar aggregate classification (germline): Uncertain significance. Review status: criteria provided, multiple submitters, no conflicts (2 of 4 stars). 2 submissions from 2 submitters: Uncertain significance (2). Last evaluated 2024-10-17.

Conditions:
Autosomal dominant spastic paraplegia type 9. Identifiers: MedGen C1832669, MONDO:0015091.
Cutis laxa, autosomal dominant 3 (ADCL3). Identifiers: Orphanet 90348, MedGen C4225268, MONDO:0014706, OMIM 616603.
de Barsy syndrome. Also called: Cutis laxa-corneal clouding-oligophrenia syndrome. Identifiers: Orphanet 2962, MedGen C0268354, MONDO:0017569.

Allele frequency attached by ClinVar (database versions not stated): ExAC 0.00001; gnomAD 0.00001; gnomAD exomes 0.00001; TOPMed 0.00002; 1000 Genomes Project 30x 0.00016; 1000 Genomes Project 0.00020.
gnomAD v4.1: 12 of 1,614,212 alleles (0.00074%); highest among the groups gnomAD compares: Admixed American, 0.012%; no homozygotes.

Submissions (2):

GeneDx
Classification: Uncertain significance. Last evaluated: 2024-10-17. Review status: criteria provided, single submitter. Criteria: GeneDx Variant Classification Process June 2021. Collection method: clinical testing. Allele origin: germline. Affected: yes.
Comment: Has not been previously published as pathogenic or benign to our knowledge; In silico analysis supports that this missense variant has a deleterious effect on protein structure/function

Labcorp Genetics (formerly Invitae), Labcorp
Classification: Uncertain significance for Autosomal dominant spastic paraplegia type 9; de Barsy syndrome; Cutis laxa, autosomal dominant 3. Last evaluated: 2023-04-14. Review status: criteria provided, single submitter. Criteria: Invitae Variant Classification Sherloc (09022015). Collection method: clinical testing. Allele origin: germline.
Comment: In summary, the available evidence is currently insufficient to determine the role of this variant in disease. Therefore, it has been classified as a Variant of Uncertain Significance. Advanced modeling of protein sequence and biophysical properties (such as structural, functional, and spatial information, amino acid conservation, physicochemical variation, residue mobility, and thermodynamic stability) performed at Invitae indicates that this missense variant is expected to disrupt ALDH18A1 protein function. ClinVar contains an entry for this variant (Variation ID: 2059507). This variant has not been reported in the literature in individuals affected with ALDH18A1-related conditions. This variant is present in population databases (rs187591541, gnomAD 0.01%). This sequence change replaces arginine, which is basic and polar, with cysteine, which is neutral and slightly polar, at codon 64 of the ALDH18A1 protein (p.Arg64Cys).